The following is an entry in ClinVar:

ClinVar aggregate classification (germline): Pathogenic (1 of 4 stars; one submission).

Conditions:
Congenital factor V deficiency. Also called: LABILE FACTOR DEFICIENCY; OWREN PARAHEMOPHILIA; PARAHEMOPHILIA; Hereditary factor V deficiency disease. Identifiers: Orphanet 326, MedGen C0015499, MONDO:0009210, OMIM 227400.

Submission:

Labcorp Genetics (formerly Invitae), Labcorp
Classification: Pathogenic for Congenital factor V deficiency. Last evaluated: 2025-06-27. Review status: criteria provided, single submitter. Criteria: Invitae Variant Classification Sherloc (09022015). Collection method: clinical testing. Allele origin: germline.
Comment: This sequence change creates a premature translational stop signal (p.Lys327*) in the F5 gene. It is expected to result in an absent or disrupted protein product. Loss-of-function variants in F5 are known to be pathogenic (PMID: 30924984). This variant is not present in population databases (gnomAD no frequency). This variant has not been reported in the literature in individuals affected with F5-related conditions. For these reasons, this variant has been classified as Pathogenic.

Literature cited by the submitters: PubMed 30924984.

NM_000130.5(F5):c.978dup (p.Lys327Ter)

Gene: F5 (coagulation factor V; minus strand). Cytogenetic location: 1q24.2.
Variant type: Duplication.
Coding change: c.978dup on transcript NM_000130.5 (MANE Select); coding-DNA position 978, one base duplicated (T; older notation c.978dupT).
Protein change: p.Lys327Ter; replaces lysine 327 with a stop codon.
Molecular consequence: nonsense.
Genome position (GRCh38, 1-based): chr1:169,555,322, A duplicated on the plus strand (T on the coding strand, the reverse complement: F5 is on the minus strand); the first of 2 consecutive A bases (chr1:169,555,322-169,555,323); duplicating either gives the same sequence. VCF-style (leftmost placement, unchanged base first): chr1-169555321-T-TA. GRCh37 (hg19) VCF-style: chr1-169524559-T-TA.
Other names: short protein forms K327*.
Identifiers: ClinVar variation 4750907 (VCV004750907.1).